The following is an entry in ClinVar:

ClinVar aggregate classification (germline): Benign (1 of 4 stars; one submission).

Submission:

GeneDx
Classification: Benign. Last evaluated: 2018-06-16. Review status: criteria provided, single submitter. Criteria: GeneDx Variant Classification (06012015). Collection method: clinical testing. Allele origin: germline. Affected: yes.
Comment: This variant is considered likely benign or benign based on one or more of the following criteria: it is a conservative change, it occurs at a poorly conserved position in the protein, it is predicted to be benign by multiple in silico algorithms, and/or has population frequency not consistent with disease.

NM_024753.5(TTC21B):c.263-110_263-107del

Genes: TTC21B-AS1 (TTC21B antisense RNA 1; plus strand), TTC21B (tetratricopeptide repeat domain 21B; minus strand). Cytogenetic location: 2q24.3.
Variant type: Deletion.
Coding change: c.263-110_263-107del on transcript NM_024753.5 (MANE Select); 110 bases into the intron before coding-DNA position 263 through 107 bases into the intron before coding-DNA position 263, 4 bases deleted (ACAG; older notation c.263-110_263-107delACAG).
Molecular consequence: intron variant.
Genome position (GRCh38, 1-based): chr2:165,945,797-165,945,800, CTGT deleted on the plus strand (ACAG on the coding strand, the reverse complement: TTC21B is on the minus strand); deleting any 4 consecutive bases within chr2:165,945,797-165,945,802 gives the same sequence; the c. name uses the placement nearest the transcript's 3' end. VCF-style (leftmost placement, unchanged base first): chr2-165945796-ACTGT-A. GRCh37 (hg19) VCF-style: chr2-166802306-ACTGT-A.
Identifiers: ClinVar variation 674964 (VCV000674964.1), dbSNP rs5836067, ClinGen allele CA59767140.
Genomic context (GRCh38, chr2:165,945,796, plus strand): 5'-GGTATTTATAATAGGTCAGATAATTAACAAGGCAAAAAATTTACTTCTCTCTATAGTGGT[ACTGT>A]CTAATAGAAATAAAATGCAAGCCATATATGTAACTTAAAATTTTCTAGTAGCACTATCAA-3'